The following is an entry in ClinVar:

ClinVar aggregate classification (germline): Uncertain significance. Review status: criteria provided, multiple submitters, no conflicts (2 of 4 stars). 2 submissions from 2 submitters: Uncertain significance (2). Last evaluated 2024-10-07.

Conditions:
DOCK8-related disorder. Also called: DOCK8-related condition.

Allele frequency attached by ClinVar (database versions not stated): gnomAD exomes 0.00001 and 0.00002; ExAC 0.00002.
gnomAD v4.1: 17 of 1,614,008 alleles (0.0011%); highest among the groups gnomAD compares: East Asian, 0.0067%; no homozygotes.

Submissions (2):

PreventionGenetics, part of Exact Sciences
Classification: Uncertain significance for DOCK8-related condition. Last evaluated: 2024-10-07. Review status: criteria provided, single submitter. Criteria: ACMG Guidelines, 2015. Collection method: clinical testing. Allele origin: germline.
Comment: The DOCK8 c.277G>A variant is predicted to result in the amino acid substitution p.Val93Met. To our knowledge, this variant has not been reported in the literature. This variant is reported in 0.011% of alleles in individuals of East Asian descent in gnomAD. Although we suspect this variant may be benign, at this time, the clinical significance of this variant is uncertain due to the absence of conclusive functional and genetic evidence.

Labcorp Genetics (formerly Invitae), Labcorp
Classification: Uncertain significance for Combined immunodeficiency due to DOCK8 deficiency. Last evaluated: 2023-02-02. Review status: criteria provided, single submitter. Criteria: Invitae Variant Classification Sherloc (09022015). Collection method: clinical testing. Allele origin: germline.
Comment: This variant has not been reported in the literature in individuals affected with DOCK8-related conditions. ClinVar contains an entry for this variant (Variation ID: 860270). Advanced modeling of protein sequence and biophysical properties (such as structural, functional, and spatial information, amino acid conservation, physicochemical variation, residue mobility, and thermodynamic stability) performed at Invitae indicates that this missense variant is not expected to disrupt DOCK8 protein function. In summary, the available evidence is currently insufficient to determine the role of this variant in disease. Therefore, it has been classified as a Variant of Uncertain Significance. This variant is present in population databases (rs375686155, gnomAD 0.01%). This sequence change replaces valine, which is neutral and non-polar, with methionine, which is neutral and non-polar, at codon 93 of the DOCK8 protein (p.Val93Met).

NM_203447.4(DOCK8):c.277G>A (p.Val93Met)

Genes: DOCK8 (dedicator of cytokinesis 8; plus strand), LOC126860552 (BRD4-independent group 4 enhancer GRCh37_chr9:285795-286994; plus strand). Cytogenetic location: 9p24.3.
Variant type: single nucleotide variant.
Coding change: c.277G>A on transcript NM_203447.4 (MANE Select); coding-DNA position 277, G replaced by A.
Protein change: p.Val93Met; replaces valine 93 with methionine.
Molecular consequence: missense variant.
Genome position (GRCh38, 1-based): chr9:286,581, G>A. VCF-style: chr9-286581-G-A. GRCh37 (hg19) VCF-style: chr9-286581-G-A.
Other names: c.73G>A, p.Val25Met (NM_001190458.2, NM_001193536.2); short protein forms V93M, V25M.
Identifiers: ClinVar variation 860270 (VCV000860270.10), dbSNP rs375686155, ClinGen allele CA4957151.